The following is an entry in ClinVar:

NM_199355.4(ADAMTS18):c.2138A>T (p.Asp713Val)

Gene: ADAMTS18 (ADAM metallopeptidase with thrombospondin type 1 motif 18; minus strand). Cytogenetic location: 16q23.1.
Variant type: single nucleotide variant.
Coding change: c.2138A>T on transcript NM_199355.4 (MANE Select); coding-DNA position 2138, A replaced by T.
Protein change: p.Asp713Val; replaces aspartic acid 713 with valine.
Molecular consequence: missense variant.
Genome position (GRCh38, 1-based): chr16:77,322,361, T>A on the plus strand (A>T on the coding strand, the complement: ADAMTS18 is on the minus strand). VCF-style: chr16-77322361-T-A. GRCh37 (hg19) VCF-style: chr16-77356258-T-A.
Other names: c.1622A>T, p.Asp541Val (NM_001326358.2); short protein forms D541V, D713V.
Identifiers: ClinVar variation 2035981 (VCV002035981.4), dbSNP rs2543651204, ClinGen allele CA396828482.

ClinVar aggregate classification (germline): Uncertain significance (1 of 4 stars; one submission).

Submission:

Labcorp Genetics (formerly Invitae), Labcorp
Classification: Uncertain significance. Last evaluated: 2024-05-22. Review status: criteria provided, single submitter. Criteria: Invitae Variant Classification Sherloc (09022015). Collection method: clinical testing. Allele origin: germline.
Comment: This sequence change replaces aspartic acid, which is acidic and polar, with valine, which is neutral and non-polar, at codon 713 of the ADAMTS18 protein (p.Asp713Val). This variant is not present in population databases (gnomAD no frequency). This variant has not been reported in the literature in individuals affected with ADAMTS18-related conditions. ClinVar contains an entry for this variant (Variation ID: 2035981). An algorithm developed to predict the effect of missense changes on protein structure and function (PolyPhen-2) suggests that this variant is likely to be disruptive. In summary, the available evidence is currently insufficient to determine the role of this variant in disease. Therefore, it has been classified as a Variant of Uncertain Significance.